The following is an entry in ClinVar:

ClinVar aggregate classification (germline): Uncertain significance. Review status: criteria provided, multiple submitters, no conflicts (2 of 4 stars). 2 submissions from 2 submitters: Uncertain significance (2). Last evaluated 2024-06-21.

Conditions:
Cardiovascular phenotype. Identifiers: MedGen CN230736.

Allele frequency attached by ClinVar (database versions not stated): gnomAD 0.00001; ExAC 0.00011; 1000 Genomes Project 30x 0.00016; 1000 Genomes Project 0.00020.

Submissions (2):

GeneDx
Classification: Uncertain significance. Last evaluated: 2024-06-21. Review status: criteria provided, single submitter. Criteria: GeneDx Variant Classification Process June 2021. Collection method: clinical testing. Allele origin: germline. Affected: yes.
Comment: In silico analysis supports that this missense variant has a deleterious effect on protein structure/function; Has not been previously published as pathogenic or benign to our knowledge

Ambry Genetics
Classification: Uncertain significance for Cardiovascular phenotype. Last evaluated: 2022-07-26. Review status: criteria provided, single submitter. Criteria: Ambry Variant Classification Scheme 2023. Collection method: clinical testing. Allele origin: germline.

NM_001365276.2(TNXB):c.12091G>A (p.Gly4031Arg)

Genes: TNXB (tenascin XB; minus strand), LOC106780803 (tenascin XB recombination region; plus strand). Cytogenetic location: 6p21.33.
Variant type: single nucleotide variant.
Coding change: c.12091G>A on transcript NM_001365276.2 (MANE Select); coding-DNA position 12091, G replaced by A.
Protein change: p.Gly4031Arg; replaces glycine 4031 with arginine.
Molecular consequence: missense variant.
Genome position (GRCh38, 1-based): chr6:32,042,574, C>T on the plus strand (G>A on the coding strand, the complement: TNXB is on the minus strand). VCF-style: chr6-32042574-C-T. GRCh37 (hg19) VCF-style: chr6-32010351-C-T.
Other names: c.12832G>A, p.Gly4278Arg (NM_001428335.1); c.12085G>A, p.Gly4029Arg (NM_019105.8); c.1378G>A, p.Gly460Arg (NM_032470.4); short protein forms G4278R, G4031R, G460R, G4029R.
Identifiers: ClinVar variation 3180900 (VCV003180900.2), dbSNP rs62402682, ClinGen allele CA3732888.